The following is an entry in ClinVar:

ClinVar aggregate classification (germline): Pathogenic/Likely pathogenic. Review status: criteria provided, multiple submitters, no conflicts (2 of 4 stars). 3 submissions from 3 submitters: Pathogenic (2); Likely pathogenic (1). Last evaluated 2025-10-02.

Conditions:
Autosomal recessive limb-girdle muscular dystrophy. Identifiers: Orphanet 102015, MedGen C2931907, MONDO:0015152.
Neuromuscular disease caused by qualitative or quantitative defects of dysferlin. Also called: Qualitative or quantitative defects of dysferlin; Dysferlinopathy. Identifiers: Orphanet 207073, MedGen C2931687, MONDO:0016145.

Allele frequency attached by ClinVar (database versions not stated): gnomAD exomes below 0.00001.
gnomAD v4.1: 3 of 1,613,960 alleles (0.00019%); highest among the groups gnomAD compares: Admixed American, 0.0033%; no homozygotes.

Submissions (3):

Labcorp Genetics (formerly Invitae), Labcorp
Classification: Pathogenic for Neuromuscular disease caused by qualitative or quantitative defects of dysferlin. Last evaluated: 2025-10-02. Review status: criteria provided, single submitter. Criteria: Invitae Variant Classification Sherloc (09022015). Collection method: clinical testing. Allele origin: germline.
Comment: This sequence change replaces glycine, which is neutral and non-polar, with arginine, which is basic and polar, at codon 426 of the DYSF protein (p.Gly426Arg). This variant is not present in population databases (gnomAD no frequency). This missense change has been observed in individual(s) with DYSF-related myopathy (PMID: 18853459, 19309282, 32400077, 32528171). This variant is also known as NM_001130987.1:c.1372G>A p.G458R. ClinVar contains an entry for this variant (Variation ID: 281067). Invitae Evidence Modeling of protein sequence and biophysical properties (such as structural, functional, and spatial information, amino acid conservation, physicochemical variation, residue mobility, and thermodynamic stability) indicates that this missense variant is expected to disrupt DYSF protein function with a positive predictive value of 95%. This variant disrupts the p.Gly426 amino acid residue in DYSF. Other variant(s) that disrupt this residue have been determined to be pathogenic (PMID: 15477515). This suggests that this residue is clinically significant, and that variants that disrupt this residue are likely to be disease-causing. For these reasons, this variant has been classified as Pathogenic.

Women's Health and Genetics/Laboratory Corporation of America, LabCorp
Classification: Likely pathogenic for Autosomal recessive limb-girdle muscular dystrophy. Last evaluated: 2024-10-01. Review status: criteria provided, single submitter. Criteria: LabCorp Variant Classification Summary - May 2015. Collection method: clinical testing. Allele origin: germline.
Comment: Variant summary: DYSF c.1276G>A (p.Gly426Arg) results in a non-conservative amino acid change located in the Ferlin, third C2 domain (IPR037722) of the encoded protein sequence. Five of five in-silico tools predict a damaging effect of the variant on protein function. The variant was absent in 250996 control chromosomes. c.1276G>A has been reported in the literature in homozygous or compound heterozygous individuals affected with Limb-Girdle Muscular Dystrophy, Autosomal Recessive (e.g. Bevilacqua_2009, Izumi_2020, Cerino_2022). These data indicate that the variant is likely to be associated with disease. To our knowledge, no experimental evidence demonstrating an impact on protein function has been reported. The following publications have been ascertained in the context of this evaluation (PMID: 19309282, 35741838, 33927379, 32400077, 18853459, 32528171, 25900324). ClinVar contains an entry for this variant (Variation ID: 281067). Based on the evidence outlined above, the variant was classified as likely pathogenic.

Eurofins Ntd Llc (ga)
Classification: Pathogenic. Last evaluated: 2016-01-15. Review status: criteria provided, single submitter. Criteria: EGL Classification Definitions 2015. Collection method: clinical testing. Allele origin: germline. Observed: 2 variant alleles, 2 heterozygotes.

Literature cited by the submitters: PubMed 18853459 (cited by Labcorp Genetics (formerly Invitae), Labcorp and Women's Health and Genetics/Laboratory Corporation of America, LabCorp); PubMed 19309282 (cited by Labcorp Genetics (formerly Invitae), Labcorp and Women's Health and Genetics/Laboratory Corporation of America, LabCorp); PubMed 32400077 (cited by Labcorp Genetics (formerly Invitae), Labcorp and Women's Health and Genetics/Laboratory Corporation of America, LabCorp); PubMed 32528171 (cited by Labcorp Genetics (formerly Invitae), Labcorp and Women's Health and Genetics/Laboratory Corporation of America, LabCorp); PubMed 15477515 (cited by Labcorp Genetics (formerly Invitae), Labcorp); PubMed 33927379 (cited by Women's Health and Genetics/Laboratory Corporation of America, LabCorp); PubMed 35741838 (cited by Women's Health and Genetics/Laboratory Corporation of America, LabCorp); PubMed 25900324 (cited by Women's Health and Genetics/Laboratory Corporation of America, LabCorp).

NM_001130987.2(DYSF):c.1372G>A (p.Gly458Arg)

Gene: DYSF (dysferlin; plus strand). Cytogenetic location: 2p13.2.
Variant type: single nucleotide variant.
Coding change: c.1372G>A on transcript NM_001130987.2 (MANE Select); coding-DNA position 1372, G replaced by A.
Protein change: p.Gly458Arg; replaces glycine 458 with arginine.
Molecular consequence: missense variant.
Genome position (GRCh38, 1-based): chr2:71,528,393, G>A. VCF-style: chr2-71528393-G-A. GRCh37 (hg19) VCF-style: chr2-71755523-G-A.
Other names: c.1279G>A, p.Gly427Arg (NM_001130455.2, NM_001130983.2, NM_001130984.2 and 1 more transcripts); c.1276G>A, p.Gly426Arg (NM_001130976.2, NM_001130977.2, NM_001130978.2 and 1 more transcripts); c.1369G>A, p.Gly457Arg (NM_001130979.2, NM_001130980.2, NM_001130981.2); c.1372G>A, p.Gly458Arg (NM_001130982.2, NM_001130985.2); short protein forms G426R, G458R, G427R, G457R.
Identifiers: ClinVar variation 281067 (VCV000281067.12), dbSNP rs886042093, ClinGen allele CA10603801.